The following is an entry in ClinVar:

ClinVar aggregate classification (germline): Conflicting classifications of pathogenicity. Review status: criteria provided, conflicting classifications (1 of 4 stars). 3 submissions from 3 submitters: Uncertain significance (2); Likely benign (1). Last evaluated 2025-12-16.

Conditions:
Combined immunodeficiency due to DOCK8 deficiency (HIES2). Also called: HYPER-IgE SYNDROME 2, AUTOSOMAL RECESSIVE, WITH RECURRENT INFECTIONS; HYPER-IgE RECURRENT INFECTION SYNDROME 2, AUTOSOMAL RECESSIVE; DOCK8 Deficiency; Hyper-IgE recurrent infection syndrome, autosomal recessive; HIES autosomal recessive. Identifiers: Orphanet 217390, MedGen C4722305, MONDO:0009478, OMIM 243700.

Allele frequency attached by ClinVar (database versions not stated): gnomAD exomes 0.00009 and 0.00021; ExAC 0.00022; 1000 Genomes Project 30x 0.00031; 1000 Genomes Project 0.00040.
gnomAD v4.1: 146 of 1,614,192 alleles (0.009%); highest among the groups gnomAD compares: South Asian, 0.15%; 1 homozygote.

Submissions (3):

Labcorp Genetics (formerly Invitae), Labcorp
Classification: Likely benign for Combined immunodeficiency due to DOCK8 deficiency. Last evaluated: 2025-12-16. Review status: criteria provided, single submitter. Criteria: Invitae Variant Classification Sherloc (09022015). Collection method: clinical testing. Allele origin: germline.

Illumina Laboratory Services, Illumina
Classification: Uncertain significance for Combined immunodeficiency due to DOCK8 deficiency. Last evaluated: 2018-01-13. Review status: criteria provided, single submitter. Criteria: ICSL Variant Classification Criteria 13 December 2019. Collection method: clinical testing. Allele origin: germline.

GeneDx
Classification: Uncertain significance. Last evaluated: 2017-04-28. Review status: criteria provided, single submitter. Criteria: GeneDx Variant Classification (06012015). Collection method: clinical testing. Allele origin: germline. Affected: yes.
Comment: The A660D variant has not been published as a pathogenic variant, nor has it been reported as a benign variant to our knowledge. The variant is observed in 26/16504 (0.2%) alleles from individuals of South Asian background in the ExAC dataset, including one homozygote (Lek et al., 2016). A660D is a non-conservative amino acid substitution, which is likely to impact secondary protein structure as these residues differ in polarity, charge, size and/or other properties. However, this substitution occurs at a position that is not conserved. In silico analysis predicts this variant is probably damaging to the protein structure/function. In summary, based on the currently available information, it is unclear whether this variant is a pathogenic variant or a rare benign variant.

NM_203447.4(DOCK8):c.1979C>A (p.Ala660Asp)

Gene: DOCK8 (dedicator of cytokinesis 8; plus strand). Cytogenetic location: 9p24.3.
Variant type: single nucleotide variant.
Coding change: c.1979C>A on transcript NM_203447.4 (MANE Select); coding-DNA position 1979, C replaced by A.
Protein change: p.Ala660Asp; replaces alanine 660 with aspartic acid.
Molecular consequence: missense variant.
Genome position (GRCh38, 1-based): chr9:371,538, C>A. VCF-style: chr9-371538-C-A. GRCh37 (hg19) VCF-style: chr9-371538-C-A.
Other names: c.1775C>A, p.Ala592Asp (NM_001190458.2, NM_001193536.2); short protein forms A660D, A592D.
Identifiers: ClinVar variation 426169 (VCV000426169.13), dbSNP rs550289472, ClinGen allele CA4958016.